The following is an entry in ClinVar:

NM_001377.3(DYNC2H1):c.10865G>A (p.Arg3622Gln)

Gene: DYNC2H1 (dynein cytoplasmic 2 heavy chain 1; plus strand). Cytogenetic location: 11q22.3.
Variant type: single nucleotide variant.
Coding change: c.10865G>A on transcript NM_001377.3 (MANE Select); coding-DNA position 10865, G replaced by A.
Protein change: p.Arg3622Gln; replaces arginine 3622 with glutamine.
Molecular consequence: missense variant.
Genome position (GRCh38, 1-based): chr11:103,283,060, G>A. VCF-style: chr11-103283060-G-A. GRCh37 (hg19) VCF-style: chr11-103153789-G-A.
Other names: c.10886G>A, p.Arg3629Gln (NM_001080463.2); short protein forms R3622Q, R3629Q.
Identifiers: ClinVar variation 4980648 (VCV004980648.1).

ClinVar aggregate classification (germline): Uncertain significance (1 of 4 stars; one submission).

Conditions:
DYNC2H1-related disorder. Also called: DYNC2H1-related disorders; DYNC2H1-related condition. Identifiers: MedGen CN378770.

Submission:

PreventionGenetics, part of Exact Sciences
Classification: Uncertain significance for DYNC2H1-related condition. Last evaluated: 2025-05-19. Review status: criteria provided, single submitter. Criteria: ACMG Guidelines, 2015. Collection method: clinical testing. Allele origin: germline.
Comment: The DYNC2H1 c.10886G>A variant is predicted to result in the amino acid substitution p.Arg3629Gln. To our knowledge, this variant has not been reported in the literature. This variant is reported in 0.0029% of alleles in individuals of Latino descent in gnomAD. At this time, the clinical significance of this variant is uncertain due to the absence of conclusive functional and genetic evidence.